The following is an entry in ClinVar:

NM_019842.4(KCNQ5):c.595C>T (p.Arg199Ter)

Gene: KCNQ5 (potassium voltage-gated channel subfamily Q member 5; plus strand). Cytogenetic location: 6q13.
Variant type: single nucleotide variant.
Coding change: c.595C>T on transcript NM_019842.4 (MANE Select); coding-DNA position 595, C replaced by T.
Protein change: p.Arg199Ter; replaces arginine 199 with a stop codon.
Molecular consequence: nonsense.
Genome position (GRCh38, 1-based): chr6:73,042,041, C>T. VCF-style: chr6-73042041-C-T. GRCh37 (hg19) VCF-style: chr6-73751764-C-T.
Other names: c.595C>T, p.Arg199Ter (NM_001160130.2, NM_001160132.2, NM_001160133.2 and 1 more transcripts); short protein forms R199*.
Identifiers: ClinVar variation 3343361 (VCV003343361.1).

ClinVar aggregate classification (germline): Uncertain significance (1 of 4 stars; one submission).

Submission:

GeneDx
Classification: Uncertain significance. Last evaluated: 2023-05-09. Review status: criteria provided, single submitter. Criteria: GeneDx Variant Classification Process June 2021. Collection method: clinical testing. Allele origin: germline. Affected: yes.
Comment: Nonsense variant predicted to result in protein truncation or nonsense mediated decay in a gene or region of a gene for which loss of function is not a well-established mechanism of disease; Not observed at significant frequency in large population cohorts (gnomAD); Has not been previously published as pathogenic or benign to our knowledge